The following is an entry in ClinVar:

NM_144643.4(SCLT1):c.1261del (p.Glu421fs)

Gene: SCLT1 (sodium channel and clathrin linker 1; minus strand). Cytogenetic location: 4q28.2.
Variant type: Deletion.
Coding change: c.1261del on transcript NM_144643.4 (MANE Select); coding-DNA position 1261, one base deleted (G; older notation c.1261delG).
Protein change: p.Glu421fs; shifts the reading frame from glutamic acid 421.
Molecular consequence: frameshift variant.
Genome position (GRCh38, 1-based): chr4:128,948,528, C deleted on the plus strand (G on the coding strand, the reverse complement: SCLT1 is on the minus strand); the first of 2 consecutive C bases (chr4:128,948,528-128,948,529); deleting either gives the same sequence. VCF-style (leftmost placement, unchanged base first): chr4-128948527-TC-T. GRCh37 (hg19) VCF-style: chr4-129869682-TC-T.
Other names: short protein forms E421fs.
Identifiers: ClinVar variation 1459205 (VCV001459205.6), dbSNP rs2125997083, ClinGen allele CA2573138055.

ClinVar aggregate classification (germline): Pathogenic (1 of 4 stars; one submission).

Submission:

Labcorp Genetics (formerly Invitae), Labcorp
Classification: Pathogenic. Last evaluated: 2022-07-26. Review status: criteria provided, single submitter. Criteria: Invitae Variant Classification Sherloc (09022015). Collection method: clinical testing. Allele origin: germline.
Comment: This variant is not present in population databases (gnomAD no frequency). This sequence change creates a premature translational stop signal (p.Glu421Lysfs*9) in the SCLT1 gene. It is expected to result in an absent or disrupted protein product. Loss-of-function variants in SCLT1 are known to be pathogenic (PMID: 28005958). For these reasons, this variant has been classified as Pathogenic. ClinVar contains an entry for this variant (Variation ID: 1459205). This variant has not been reported in the literature in individuals affected with SCLT1-related conditions.

Literature cited by the submitters: PubMed 28005958.